The following is an entry in ClinVar:

NM_001292063.2(OTOG):c.1A>G (p.Met1Val)

Gene: OTOG (otogelin; plus strand). Cytogenetic location: 11p15.1.
Variant type: single nucleotide variant.
Coding change: c.1A>G on transcript NM_001292063.2 (MANE Select); coding-DNA position 1, A replaced by G.
Protein change: p.Met1Val; changes the start codon (methionine 1).
Molecular consequence: missense variant, initiator codon variant.
Genome position (GRCh38, 1-based): chr11:17,547,373, A>G. VCF-style: chr11-17547373-A-G. GRCh37 (hg19) VCF-style: chr11-17568920-A-G.
Other names: c.1A>G, p.Met1Val (NM_001277269.2); short protein forms M1V.
Identifiers: ClinVar variation 1197895 (VCV001197895.11), dbSNP rs953945741, ClinGen allele CA218483318.

ClinVar aggregate classification (germline): Uncertain significance. Review status: criteria provided, multiple submitters, no conflicts (2 of 4 stars). 3 submissions from 3 submitters: Uncertain significance (3). Last evaluated 2025-10-01.

Allele frequency attached by ClinVar (database versions not stated): gnomAD exomes 0.00001; TOPMed 0.00002.

Submissions (3):

CeGaT Center for Human Genetics Tuebingen
Classification: Uncertain significance. Last evaluated: 2025-10-01. Review status: criteria provided, single submitter. Criteria: CeGaT Center For Human Genetics Tuebingen Variant Classification Criteria Version 2. Collection method: clinical testing. Allele origin: germline. Affected: yes. Observed: 1 variant allele.
Comment: OTOG: PM2

GeneDx
Classification: Uncertain significance. Last evaluated: 2019-03-15. Review status: criteria provided, single submitter. Criteria: GeneDx Variant Classification Process June 2021. Collection method: clinical testing. Allele origin: germline. Affected: yes.
Comment: Initiation codon variant in a gene for which loss-of-function is a known mechanism of disease; Has not been previously published as pathogenic or benign to our knowledge

Breakthrough Genomics
Classification: Uncertain significance. Review status: criteria provided, single submitter. Criteria: ACMG Guidelines, 2015. Collection method: not provided. Allele origin: germline. Inheritance: Autosomal recessive inheritance. Affected: yes.